The following is an entry in ClinVar:

NM_005902.4(SMAD3):c.782C>T (p.Thr261Ile)

Gene: SMAD3 (SMAD family member 3; plus strand). Cytogenetic location: 15q22.33.
Variant type: single nucleotide variant.
Coding change: c.782C>T on transcript NM_005902.4 (MANE Select); coding-DNA position 782, C replaced by T.
Protein change: p.Thr261Ile; replaces threonine 261 with isoleucine.
Molecular consequence: missense variant.
Genome position (GRCh38, 1-based): chr15:67,181,364, C>T. VCF-style: chr15-67181364-C-T. GRCh37 (hg19) VCF-style: chr15-67473702-C-T.
Other names: c.467C>T, p.Thr156Ile (NM_001145102.2); c.650C>T, p.Thr217Ile (NM_001145103.2); c.197C>T, p.Thr66Ile (NM_001145104.2); c.782C>T (NM_005902.3); short protein forms T261I, T156I, T217I, T66I.
Identifiers: ClinVar variation 30308 (VCV000030308.2), dbSNP rs387906851, ClinGen allele CA020109.

ClinVar aggregate classification (germline): Likely pathogenic. Review status: criteria provided, single submitter (1 of 4 stars). 2 submissions from 2 submitters: Likely pathogenic (1). 1 of the submissions does not count toward it. Last evaluated 2025-07-23.

Conditions:
Familial thoracic aortic aneurysm and aortic dissection (TAAD). Also called: Thoracic aortic aneurysms and dissections. Identifiers: Orphanet 91387, MedGen C4707243, MONDO:0019625.
Aneurysm-osteoarthritis syndrome. Also called: SMAD3-Related Loeys-Dietz Syndrome; ANEURYSMS-OSTEOARTHRITIS SYNDROME; Loeys-Dietz syndrome, type 1C; LOEYS-DIETZ SYNDROME WITH OSTEOARTHRITIS. Identifiers: Orphanet 284984, MedGen C3151087, MONDO:0013426, OMIM 613795.

Submissions (2):

Ambry Genetics
Classification: Likely pathogenic for Familial thoracic aortic aneurysm and aortic dissection. Last evaluated: 2025-07-23. Review status: criteria provided, single submitter. Criteria: Ambry Variant Classification Scheme 2023. Collection method: clinical testing. Allele origin: germline.
Comment: The p.T261I variant (also known as c.782C>T), located in coding exon 6 of the SMAD3 gene, results from a C to T substitution at nucleotide position 782. The threonine at codon 261 is replaced by isoleucine, an amino acid with similar properties. This variant was reported in individual(s) with features consistent with Loeys-Dietz syndrome (van de Laar IM et al. Nat Genet, 2011 Feb;43:121-6; Ambry internal data). In an assay testing SMAD3 function, this variant showed a functionally abnormal result (El-Gazzar A et al. Bone Rep, 2022 Dec;17:101603). This variant is considered to be rare based on population cohorts in the Genome Aggregation Database (gnomAD). This amino acid position is highly conserved in available vertebrate species. In addition, this alteration is predicted to be deleterious by in silico analysis. Based on the majority of available evidence to date, this variant is likely to be pathogenic.

OMIM
Classification: Pathogenic for LOEYS-DIETZ SYNDROME 3. Last evaluated: 2011-02-01. Review status: no assertion criteria provided. Collection method: literature only. Allele origin: germline. Not counted in ClinVar's aggregate classification.

Literature cited by the submitters: PubMed 21217753 (cited by Ambry Genetics and OMIM); PubMed 35874167 (cited by Ambry Genetics).